The following is an entry in ClinVar:

NM_015910.7(WDPCP):c.334C>G (p.Gln112Glu)

Gene: WDPCP (WD repeat containing planar cell polarity effector; minus strand). Cytogenetic location: 2p15.
Variant type: single nucleotide variant.
Coding change: c.334C>G on transcript NM_015910.7 (MANE Select); coding-DNA position 334, C replaced by G.
Protein change: p.Gln112Glu; replaces glutamine 112 with glutamic acid.
Molecular consequence: missense variant. On other transcripts: non-coding transcript variant (2).
Genome position (GRCh38, 1-based): chr2:63,484,654, G>C on the plus strand (C>G on the coding strand, the complement: WDPCP is on the minus strand). VCF-style: chr2-63484654-G-C. GRCh37 (hg19) VCF-style: chr2-63711788-G-C.
Other names: c.262C>G, p.Gln88Glu (NM_001354044.2); c.334C>G, p.Gln112Glu (NM_001354045.2); short protein forms Q88E, Q112E.
Identifiers: ClinVar variation 838580 (VCV000838580.11), dbSNP rs758543575, ClinGen allele CA1682504.

ClinVar aggregate classification (germline): Uncertain significance. Review status: criteria provided, multiple submitters, no conflicts (2 of 4 stars). 3 submissions from 3 submitters: Uncertain significance (3). Last evaluated 2026-01-06.

Conditions:
Heart defect - tongue hamartoma - polysyndactyly syndrome. Also called: Congenital heart defects, hamartomas of tongue, and polysyndactyly. Identifiers: Orphanet 1338, MedGen C1857587, MONDO:0009008, OMIM 217085.
Bardet-Biedl syndrome 15 (BBS15). Identifiers: Orphanet 110, MedGen C3150127, MONDO:0014443, OMIM 615992.
WDPCP-related disorder. Also called: WDPCP-related condition.
Bardet-Biedl syndrome (BBS). Identifiers: Orphanet 110, MedGen C0752166, MONDO:0015229.

Allele frequency attached by ClinVar (database versions not stated): gnomAD exomes 0.00001 and 0.00002; ExAC 0.00002; gnomAD 0.00002 and 0.00003; TOPMed 0.00004.
gnomAD v4.1: 22 of 1,612,634 alleles (0.0014%); highest among the groups gnomAD compares: Non-Finnish European, 0.0019%; no homozygotes.

Submissions (3):

PreventionGenetics, part of Exact Sciences
Classification: Uncertain significance for WDPCP-related condition. Last evaluated: 2026-01-06. Review status: criteria provided, single submitter. Criteria: ACMG Guidelines, 2015. Collection method: clinical testing. Allele origin: germline.
Comment: The WDPCP c.334C>G variant is predicted to result in the amino acid substitution p.Gln112Glu. To our knowledge, this variant has not been reported in the literature. This variant is reported in 0.0039% of alleles in individuals of European (Non-Finnish) descent in gnomAD. At this time, the clinical significance of this variant is uncertain due to the absence of conclusive functional and genetic evidence.

Labcorp Genetics (formerly Invitae), Labcorp
Classification: Uncertain significance for Bardet-Biedl syndrome. Last evaluated: 2022-05-22. Review status: criteria provided, single submitter. Criteria: Invitae Variant Classification Sherloc (09022015). Collection method: clinical testing. Allele origin: germline.
Comment: In summary, the available evidence is currently insufficient to determine the role of this variant in disease. Therefore, it has been classified as a Variant of Uncertain Significance. Algorithms developed to predict the effect of missense changes on protein structure and function output the following: SIFT: "Deleterious"; PolyPhen-2: "Benign"; Align-GVGD: "Class C0". The glutamic acid amino acid residue is found in multiple mammalian species, which suggests that this missense change does not adversely affect protein function. ClinVar contains an entry for this variant (Variation ID: 838580). This variant has not been reported in the literature in individuals affected with WDPCP-related conditions. The frequency data for this variant in the population databases is considered unreliable, as metrics indicate poor data quality at this position in the gnomAD database. This sequence change replaces glutamine, which is neutral and polar, with glutamic acid, which is acidic and polar, at codon 112 of the WDPCP protein (p.Gln112Glu).

Fulgent Genetics
Classification: Uncertain significance for Heart defect - tongue hamartoma - polysyndactyly syndrome; Bardet-Biedl syndrome 15. Last evaluated: 2022-01-11. Review status: criteria provided, single submitter. Criteria: ACMG Guidelines, 2015. Collection method: clinical testing. Allele origin: unknown.